The following is an entry in ClinVar:

NM_001378454.1(ALMS1):c.11324T>A (p.Leu3775Gln)

Gene: ALMS1 (ALMS1 centrosome and basal body associated protein; plus strand). Cytogenetic location: 2p13.1.
Variant type: single nucleotide variant.
Coding change: c.11324T>A on transcript NM_001378454.1 (MANE Select); coding-DNA position 11324, T replaced by A.
Protein change: p.Leu3775Gln; replaces leucine 3775 with glutamine.
Molecular consequence: missense variant.
Genome position (GRCh38, 1-based): chr2:73,573,201, T>A. VCF-style: chr2-73573201-T-A. GRCh37 (hg19) VCF-style: chr2-73800328-T-A.
Other names: c.11327T>A, p.Leu3776Gln (NM_015120.4); short protein forms L3775Q, L3776Q.
Identifiers: ClinVar variation 1710596 (VCV001710596.2), dbSNP rs2466447066, ClinGen allele CA347289062.
Genomic context (GRCh38, chr2:73,573,201, plus strand): 5'-CCGGCACCACTTCTACTGTCGAATCAGATATATTGACCCAAACAGATAGAGAGGTGGCTC[T>A]GCACGAAAGGAGTAGCTCTGTTTCCACTATTGACACTGCCCGGCTGATTCAAGCTTTTGG-3'
Protein context (NP_001365383.1, residues 3765-3785): ILTQTDREVA[Leu3775Gln]HERSSSVSTI

ClinVar aggregate classification (germline): Uncertain significance (1 of 4 stars; one submission).

Submission:

GeneDx
Classification: Uncertain significance. Last evaluated: 2022-04-15. Review status: criteria provided, single submitter. Criteria: GeneDx Variant Classification Process June 2021. Collection method: clinical testing. Allele origin: germline. Affected: yes.
Comment: Not observed at significant frequency in large population cohorts (gnomAD); In silico analysis supports that this missense variant has a deleterious effect on protein structure/function; Has not been previously published as pathogenic or benign to our knowledge